The following is an entry in ClinVar:

ClinVar aggregate classification (germline): Uncertain significance. Review status: criteria provided, multiple submitters, no conflicts (2 of 4 stars). 2 submissions from 2 submitters: Uncertain significance (2). Last evaluated 2026-05-26.

Conditions:
Inborn genetic diseases. Identifiers: MedGen C0950123, MeSH D030342.

gnomAD v4.1: 5 of 1,613,554 alleles (0.00031%); highest among the groups gnomAD compares: East Asian, 0.0022%; no homozygotes.

Submissions (2):

Ambry Genetics
Classification: Uncertain significance for Inborn genetic diseases. Last evaluated: 2026-05-26. Review status: criteria provided, single submitter. Criteria: Ambry Variant Classification Scheme 2023. Collection method: clinical testing. Allele origin: germline.

Labcorp Genetics (formerly Invitae), Labcorp
Classification: Uncertain significance. Last evaluated: 2024-02-27. Review status: criteria provided, single submitter. Criteria: Invitae Variant Classification Sherloc (09022015). Collection method: clinical testing. Allele origin: germline.
Comment: This sequence change replaces isoleucine, which is neutral and non-polar, with valine, which is neutral and non-polar, at codon 54 of the COL11A1 protein (p.Ile54Val). This variant is not present in population databases (gnomAD no frequency). This variant has not been reported in the literature in individuals affected with COL11A1-related conditions. Advanced modeling of protein sequence and biophysical properties (such as structural, functional, and spatial information, amino acid conservation, physicochemical variation, residue mobility, and thermodynamic stability) performed at Invitae indicates that this missense variant is not expected to disrupt COL11A1 protein function with a negative predictive value of 95%. In summary, the available evidence is currently insufficient to determine the role of this variant in disease. Therefore, it has been classified as a Variant of Uncertain Significance.

NM_001854.4(COL11A1):c.160A>G (p.Ile54Val)

Gene: COL11A1 (collagen type XI alpha 1 chain; minus strand). Cytogenetic location: 1p21.1.
Variant type: single nucleotide variant.
Coding change: c.160A>G on transcript NM_001854.4 (MANE Select); coding-DNA position 160, A replaced by G.
Protein change: p.Ile54Val; replaces isoleucine 54 with valine.
Molecular consequence: missense variant. On other transcripts: non-coding transcript variant (1).
Genome position (GRCh38, 1-based): chr1:103,082,919, T>C on the plus strand (A>G on the coding strand, the complement: COL11A1 is on the minus strand). VCF-style: chr1-103082919-T-C. GRCh37 (hg19) VCF-style: chr1-103548475-T-C.
Other names: c.160A>G (NM_001854.3); c.160A>G, p.Ile54Val (NM_001190709.2, NM_080629.3, NM_080630.4); short protein forms I54V.
Identifiers: ClinVar variation 3677969 (VCV003677969.3).